The following is an entry in ClinVar:

ClinVar aggregate classification (germline): Pathogenic (1 of 4 stars; one submission).

Conditions:
Hereditary hemorrhagic telangiectasia (HHT). Also called: ORW DISEASE; Osler Weber Rendu syndrome; OSLER-RENDU-WEBER DISEASE; Osler hemorrhagic telangiectasia syndrome. Identifiers: Orphanet 774, MedGen C0039445, MONDO:0019180. Disease mechanism: loss of function.

Submission:

Labcorp Genetics (formerly Invitae), Labcorp
Classification: Pathogenic for Hereditary hemorrhagic telangiectasia. Last evaluated: 2024-10-30. Review status: criteria provided, single submitter. Criteria: Invitae Variant Classification Sherloc (09022015). Collection method: clinical testing. Allele origin: germline.
Comment: This sequence change creates a premature translational stop signal (p.Gln174*) in the ENG gene. It is expected to result in an absent or disrupted protein product. Loss-of-function variants in ENG are known to be pathogenic (PMID: 15879500). This variant is not present in population databases (gnomAD no frequency). This variant has not been reported in the literature in individuals affected with ENG-related conditions. For these reasons, this variant has been classified as Pathogenic.

Literature cited by the submitters: PubMed 15879500.

NM_001114753.3(ENG):c.520C>T (p.Gln174Ter)

Gene: ENG (endoglin; minus strand). Cytogenetic location: 9q34.11.
Variant type: single nucleotide variant.
Coding change: c.520C>T on transcript NM_001114753.3 (MANE Select); coding-DNA position 520, C replaced by T.
Protein change: p.Gln174Ter; replaces glutamine 174 with a stop codon.
Molecular consequence: nonsense. On other transcripts: 5 prime UTR variant (1).
Genome position (GRCh38, 1-based): chr9:127,826,513, G>A on the plus strand (C>T on the coding strand, the complement: ENG is on the minus strand). VCF-style: chr9-127826513-G-A. GRCh37 (hg19) VCF-style: chr9-130588792-G-A.
Other names: c.520C>T, p.Gln174Ter (NM_000118.4, NM_001406715.1); c.-27C>T (NM_001278138.2); short protein forms Q174*.
Identifiers: ClinVar variation 3712257 (VCV003712257.2).